The following is an entry in ClinVar:

NM_005188.4(CBL):c.1198A>C (p.Met400Leu)

Gene: CBL (Cbl proto-oncogene; plus strand). Cytogenetic location: 11q23.3.
Variant type: single nucleotide variant.
Coding change: c.1198A>C on transcript NM_005188.4 (MANE Select); coding-DNA position 1198, A replaced by C.
Protein change: p.Met400Leu; replaces methionine 400 with leucine.
Molecular consequence: missense variant.
Genome position (GRCh38, 1-based): chr11:119,278,268, A>C. VCF-style: chr11-119278268-A-C. GRCh37 (hg19) VCF-style: chr11-119148978-A-C.
Other names: c.1198A>C (NM_005188.2); short protein forms M400L.
Identifiers: ClinVar variation 2076168 (VCV002076168.6), dbSNP rs878856172, ClinGen allele CA382912765.

ClinVar aggregate classification (germline): Uncertain significance. Review status: criteria provided, multiple submitters, no conflicts (2 of 4 stars). 2 submissions from 2 submitters: Uncertain significance (2). Last evaluated 2025-12-09.

Conditions:
RASopathy. Also called: rasopathies; Noonan spectrum disorder. Identifiers: Orphanet 536391, MedGen C5555857, MONDO:0021060.

Allele frequency attached by ClinVar (database versions not stated): gnomAD 0.00001.

Submissions (2):

GeneDx
Classification: Uncertain significance. Last evaluated: 2025-12-09. Review status: criteria provided, single submitter. Criteria: GeneDx Variant Classification Process June 2021. Collection method: clinical testing. Allele origin: germline.
Comment: Not observed at significant frequency in large population cohorts (gnomAD); In silico analysis suggests that this missense variant does not alter protein structure/function; Has not been previously published as pathogenic or benign to our knowledge; This variant is associated with the following publications: (PMID: 20619386, 22315494)

Labcorp Genetics (formerly Invitae), Labcorp
Classification: Uncertain significance for RASopathy. Last evaluated: 2024-05-28. Review status: criteria provided, single submitter. Criteria: Invitae Variant Classification Sherloc (09022015). Collection method: clinical testing. Allele origin: germline.
Comment: This sequence change replaces methionine, which is neutral and non-polar, with leucine, which is neutral and non-polar, at codon 400 of the CBL protein (p.Met400Leu). This variant is not present in population databases (gnomAD no frequency). This variant has not been reported in the literature in individuals affected with CBL-related conditions. ClinVar contains an entry for this variant (Variation ID: 2076168). Advanced modeling of protein sequence and biophysical properties (such as structural, functional, and spatial information, amino acid conservation, physicochemical variation, residue mobility, and thermodynamic stability) performed at Invitae indicates that this missense variant is not expected to disrupt CBL protein function with a negative predictive value of 95%. In summary, the available evidence is currently insufficient to determine the role of this variant in disease. Therefore, it has been classified as a Variant of Uncertain Significance.